The following is an entry in ClinVar:

ClinVar aggregate classification (germline): Uncertain significance. Review status: criteria provided, multiple submitters, no conflicts (2 of 4 stars). 2 submissions from 2 submitters: Uncertain significance (2). Last evaluated 2024-09-05.

Conditions:
Norman-Roberts syndrome (LIS2). Also called: Lissencephaly 2 (Norman-Roberts type). Identifiers: Orphanet 89844, MedGen C0796089, MONDO:0009760, OMIM 257320.
Familial temporal lobe epilepsy 7. Identifiers: Orphanet 101046, MedGen C4225327, MONDO:0014639, OMIM 616436.

Allele frequency attached by ClinVar (database versions not stated): gnomAD exomes below 0.00001.
gnomAD v4.1: 5 of 1,613,914 alleles (0.00031%); highest among the groups gnomAD compares: South Asian, 0.0011%; no homozygotes.

Submissions (2):

Labcorp Genetics (formerly Invitae), Labcorp
Classification: Uncertain significance for Familial temporal lobe epilepsy 7; Norman-Roberts syndrome. Last evaluated: 2024-09-05. Review status: criteria provided, single submitter. Criteria: Invitae Variant Classification Sherloc (09022015). Collection method: clinical testing. Allele origin: germline.
Comment: This sequence change replaces glycine, which is neutral and non-polar, with serine, which is neutral and polar, at codon 2129 of the RELN protein (p.Gly2129Ser). This variant is present in population databases (no rsID available, gnomAD 0.003%). This missense change has been observed in individual(s) with autism (PMID: 35982159). ClinVar contains an entry for this variant (Variation ID: 586403). Invitae Evidence Modeling of protein sequence and biophysical properties (such as structural, functional, and spatial information, amino acid conservation, physicochemical variation, residue mobility, and thermodynamic stability) indicates that this missense variant is not expected to disrupt RELN protein function with a negative predictive value of 80%. In summary, the available evidence is currently insufficient to determine the role of this variant in disease. Therefore, it has been classified as a Variant of Uncertain Significance.

Athena Diagnostics
Classification: Uncertain significance. Last evaluated: 2018-06-05. Review status: criteria provided, single submitter. Criteria: Athena Diagnostics Criteria. Collection method: clinical testing. Allele origin: germline.

Literature cited by the submitters: PubMed 35982159 (cited by Labcorp Genetics (formerly Invitae), Labcorp).

NM_005045.4(RELN):c.6385G>A (p.Gly2129Ser)

Gene: RELN (reelin; minus strand). Cytogenetic location: 7q22.1.
Variant type: single nucleotide variant.
Coding change: c.6385G>A on transcript NM_005045.4 (MANE Select); coding-DNA position 6385, G replaced by A.
Protein change: p.Gly2129Ser; replaces glycine 2129 with serine.
Molecular consequence: missense variant.
Genome position (GRCh38, 1-based): chr7:103,545,262, C>T on the plus strand (G>A on the coding strand, the complement: RELN is on the minus strand). VCF-style: chr7-103545262-C-T. GRCh37 (hg19) VCF-style: chr7-103185709-C-T.
Other names: c.6385G>A, p.Gly2129Ser (NM_173054.3); short protein forms G2129S.
Identifiers: ClinVar variation 586403 (VCV000586403.12), dbSNP rs1228682428, ClinGen allele CA368771135.
Genomic context (GRCh38, chr7:103,545,262, plus strand): 5'-TACATTTGGTTCCATTGATACAGCTCCCCTGTCCATTACACATCTCCTCACACTGGGGAC[C>T]GATGTAGACATTATCAATGGCCCATGTCACTGGCTGAGAGCCGGCAGGGTAAAATCCCTG-3'
Protein context (NP_005036.2, residues 2119-2139): VTWAIDNVYI[Gly2129Ser]PQCEEMCNGQ